The following is an entry in ClinVar:

ClinVar aggregate classification (germline): Uncertain significance (1 of 4 stars; one submission).

Submission:

Labcorp Genetics (formerly Invitae), Labcorp
Classification: Uncertain significance. Last evaluated: 2022-09-14. Review status: criteria provided, single submitter. Criteria: Invitae Variant Classification Sherloc (09022015). Collection method: clinical testing. Allele origin: germline.
Comment: This sequence change replaces glycine, which is neutral and non-polar, with glutamic acid, which is acidic and polar, at codon 2256 of the POLE protein (p.Gly2256Glu). This variant is not present in population databases (gnomAD no frequency). This variant has not been reported in the literature in individuals affected with POLE-related conditions. Advanced modeling of protein sequence and biophysical properties (such as structural, functional, and spatial information, amino acid conservation, physicochemical variation, residue mobility, and thermodynamic stability) performed at Invitae indicates that this missense variant is not expected to disrupt POLE protein function. In summary, the available evidence is currently insufficient to determine the role of this variant in disease. Therefore, it has been classified as a Variant of Uncertain Significance.

NM_006231.4(POLE):c.6767G>A (p.Gly2256Glu)

Gene: POLE (DNA polymerase epsilon, catalytic subunit; minus strand). Cytogenetic location: 12q24.33.
Variant type: single nucleotide variant.
Coding change: c.6767G>A on transcript NM_006231.4 (MANE Select); coding-DNA position 6767, G replaced by A.
Protein change: p.Gly2256Glu; replaces glycine 2256 with glutamic acid.
Molecular consequence: missense variant.
Genome position (GRCh38, 1-based): chr12:132,624,791, C>T on the plus strand (G>A on the coding strand, the complement: POLE is on the minus strand). VCF-style: chr12-132624791-C-T. GRCh37 (hg19) VCF-style: chr12-133201377-C-T.
Other names: short protein forms G2256E.
Identifiers: ClinVar variation 1719412 (VCV001719412.5), dbSNP rs749707316, ClinGen allele CA387365860.
Genomic context (GRCh38, chr12:132,624,791, plus strand): 5'-CACTCCAGGGTCTCCAGGAGGTACGACATGCCGTAGTGCTGGGCAATGTTCCGGAATATT[C>T]CGATCTGTTCCATGAAGACCTGCAGGAATAAACAGGCACAGTGAGACCCCAGTCCACTCA-3'
Protein context (NP_006222.2, residues 2246-2266): IHTQVFMEQI[Gly2256Glu]IFRNIAQHYG